The following is an entry in ClinVar:

NM_001009944.3(PKD1):c.8302G>A (p.Val2768Met)

Gene: PKD1 (polycystin 1, transient receptor potential channel interacting; minus strand). Cytogenetic location: 16p13.3.
Variant type: single nucleotide variant.
Coding change: c.8302G>A on transcript NM_001009944.3 (MANE Select); coding-DNA position 8302, G replaced by A.
Protein change: p.Val2768Met; replaces valine 2768 with methionine.
Molecular consequence: missense variant.
Genome position (GRCh38, 1-based): chr16:2,103,755, C>T on the plus strand (G>A on the coding strand, the complement: PKD1 is on the minus strand). VCF-style: chr16-2103755-C-T. GRCh37 (hg19) VCF-style: chr16-2153756-C-T.
Other names: c.8302G>A, p.Val2768Met (NM_000296.4); short protein forms V2768M.
Identifiers: ClinVar variation 431938 (VCV000431938.20), dbSNP rs1456510041, ClinGen allele CA394364729.

ClinVar aggregate classification (germline): Conflicting classifications of pathogenicity. Review status: criteria provided, conflicting classifications (1 of 4 stars). 12 submissions from 12 submitters: Likely pathogenic (1); Uncertain significance (11). Last evaluated 2026-06-08.

Conditions:
PKD1-related disorder. Also called: PKD1-related condition.
Polycystic kidney disease, adult type (PKD1). Also called: Polycystic Kidney Disease 1, Autosomal Dominant; Polycystic kidney disease 1; Polycystic kidney disease 1, severe; POLYCYSTIC KIDNEY DISEASE 1 WITH OR WITHOUT POLYCYSTIC LIVER DISEASE; POLYCYSTIC KIDNEY DISEASE, ADULT, TYPE I; Polycystic Kidney, Autosomal Dominant. Identifiers: MedGen C3149841, MONDO:0008263, OMIM 173900.

Allele frequency attached by ClinVar (database versions not stated): TOPMed below 0.00001; gnomAD exomes 0.00001.
gnomAD v4.1: 9 of 1,609,856 alleles (0.00056%); highest among the groups gnomAD compares: South Asian, 0.0033%; no homozygotes.

Submissions (12):

Women's Health and Genetics/Laboratory Corporation of America, LabCorp
Classification: Likely pathogenic for Polycystic kidney disease, adult type. Last evaluated: 2026-06-08. Review status: criteria provided, single submitter. Criteria: LabCorp Variant Classification Summary - May 2015. Collection method: clinical testing. Allele origin: germline.
Comment: Variant summary: PKD1 c.8302G>A (p.Val2768Met) results in a conservative amino acid change in the encoded protein sequence. Algorithms developed to predict the effect of missense changes on protein structure and function are either unavailable or do not agree on the potential impact of this missense change. The variant allele was found at a frequency of 8.1e-06 in 246906 control chromosomes. c.8302G>A has been observed in individuals affected with autosomal dominant Polycystic Kidney Disease (e.g. Rossetti_2001, Trujillano_2014, Zacchia_2021, Mallawaarachchi_2021, Yu_2022, Yavas_2022). It has also been reported in at least two fetuses with abnormal kidney findings on prenatal ultrasound (Ridnoi_2021, Fu_2022). These data indicate that the variant is likely to be associated with disease. To our knowledge, no experimental evidence demonstrating an impact on protein function has been reported. The following publications have been ascertained in the context of this evaluation (PMID: 39731278, 36307859, 26823553, 33437033, 34486251, 11115377, 25333066, 36134775, 35778421, 33964006). ClinVar contains an entry for this variant (Variation ID: 431938). Based on the evidence outlined above, the variant was classified as likely pathogenic.

Genetic Services Laboratory, University of Chicago
Classification: Uncertain significance. Last evaluated: 2025-10-30. Review status: criteria provided, single submitter. Criteria: ACMG Guidelines, 2015. Collection method: clinical testing. Allele origin: germline.
Comment: The c.8302G>A variant: Results in an amino acid change, p.Val2768Met. Has been previously described in several individuals with PKD1-related disorders (PMID: 11115377, 33437033, 33964006, 26823553). In one individual with PKD, this variant co-ocurred with the p.G2858S variant in PKD1 (also classified as VUS); an unaffected relative of this individual was found to carry neither variant (PMID: 11115377). In another individual with PKD, this variant co-occurred with the p.A3860 variant in PKD1 (also classified as VUS) (PMID: 33437033). This variant was the only variant of interest identified in another PKD patient (PMID: 33964006); however, PKD1 and PKD2 were the only PKD-related genes assessed in this panel. Is reported in the gnomAD v4 database with a frequency of 0.003% in the South Asian subpopulation (dbSNP rs1456510041). Affects a moderately conserved amino acid residue located in the REJ-like domain of the PKD1 protein. Appears to have contradictory results by in-silico pathogenicity prediction tools. ClinVar contains an entry for this variant (Variation ID: 431938) This variant is found in the Mayo PKD Database and has been rated as VUS. Due to insufficient evidence and the lack of functional studies, the clinical significance of the p.Val2768Met variant remains unknown at this time.

Genomic Medicine Center of Excellence, King Faisal Specialist Hospital and Research Centre
Classification: Uncertain significance for Polycystic kidney disease, adult type. Last evaluated: 2025-09-10. Review status: criteria provided, single submitter. Criteria: ACMG Guidelines, 2015. Collection method: clinical testing. Allele origin: germline.

PreventionGenetics, part of Exact Sciences
Classification: Uncertain significance for PKD1-related condition. Last evaluated: 2025-09-04. Review status: criteria provided, single submitter. Criteria: ACMG Guidelines, 2015. Collection method: clinical testing. Allele origin: germline.
Comment: The PKD1 c.8302G>A variant is predicted to result in the amino acid substitution p.Val2768Met. This variant has been reported as a variant of uncertain significance (VUS) in individuals with polycystic kidney disease or related diseases (Rossetti et al. 2001. PubMed ID: 11115377; Mallawaarachchi et al. 2021. PubMed ID: 33437033, Table S3; Yavaş et al. 2022. PubMed ID: 36134775; Zacchia et al. 2021. PubMed ID: 33964006) and fetuses with related features (Fu et al. 2022. PubMed ID: 36307859, Additional file 2 Table S8; Ridnõi et al. 2021. PubMed ID: 34486251; Huang et al. 2023. PubMed ID: 37095353). In ClinVar, this variant is also classified as uncertain by different laboratories (Variation ID: 431938). This variant is reported in 0.0033% of alleles in individuals of South Asian descent in gnomAD. At this time, the clinical significance of this variant is uncertain due to the absence of conclusive functional and genetic evidence.

3billion
Classification: Uncertain significance for Polycystic kidney disease, adult type. Last evaluated: 2024-12-04. Review status: criteria provided, single submitter. Criteria: ACMG Guidelines, 2015. Collection method: clinical testing. Allele origin: germline. Affected: yes.
Comment: The variant is observed at an extremely low frequency in the gnomAD v4.1.0 dataset (total allele frequency: <0.001%). Predicted Consequence/Location: Missense variant In silico tool predictions suggest damaging effect of the variant on gene or gene product [3Cnet: 0.69 (>=0.6, sensitivity 0.72 and precision 0.9)]. The same nucleotide change resulting in the same amino acid change has been previously reported to be associated with PKD1-related disorder (PMID: 11115377).A different missense change at the same codon (p.Val2768Leu) has been reported to be associated with PKD1-related disorder (ClinVar ID: VCV001527896). However the evidence of pathogenicity is insufficient at this time. Therefore, this variant is classified as VUS according to the recommendation of ACMG/AMP guideline.

GeneDx
Classification: Uncertain significance. Last evaluated: 2024-10-08. Review status: criteria provided, single submitter. Criteria: GeneDx Variant Classification Process June 2021. Collection method: clinical testing. Allele origin: germline. Affected: yes.
Comment: Not observed at significant frequency in large population cohorts (gnomAD); In silico analysis indicates that this missense variant does not alter protein structure/function; This variant is associated with the following publications: (PMID: 11115377, 34486251, 33437033, 37095353, 36134775, 33964006, 26823553, 36307859, 25333066)

Victorian Clinical Genetics Services, Murdoch Childrens Research Institute
Classification: Uncertain significance for Polycystic kidney disease, adult type. Last evaluated: 2024-10-07. Review status: criteria provided, single submitter. Criteria: ACMG Guidelines, 2015. Collection method: clinical testing. Allele origin: germline. Affected: yes.
Comment: This variant is classified as VUS-3A. Evidence in support of pathogenic classification: Variant is present in gnomAD <0.001 for a dominant condition (v4: 9 heterozygote(s), 0 homozygote(s)). Additional information: Variant is predicted to result in a missense amino acid change from valine to methionine; This variant is heterozygous; This gene is associated with autosomal dominant disease. Polycystic kidney disease 1 (MIM#173900) is predominantly caused by monoallelic variants, with rare reports of biallelic variants causing disease (OMIM); An alternative amino acid change at the same position has been observed in gnomAD (v4: 2 heterozygote(s), 0 homozygote(s)); Previous evidence of pathogenicity for this variant is inconclusive. This variant has been reported as a VUS by multiple clinical laboratories in ClinVar, and has been observed in individuals with chronic or polycystic kidney disease (PMIDs: 33437033, 11115377, 33964006, 36134775, 25333066); No published segregation evidence has been identified for this variant; No published functional evidence has been identified for this variant; Other missense variants comparable to the one identified in this case have conflicting previous evidence for pathogenicity. p.(Val2768Glu) has been reported once as a VUS, while p.(Val2768Leu) has been reported once as likely pathogenic and once as a VUS (ClinVar); Variant is not located in an established domain, motif, hotspot or informative constraint region; Missense variant with conflicting in silico predictions and uninformative conservation; Loss of function is a known mechanism of disease in this gene and is associated with polycystic kidney disease 1 (MIM#173900); Inheritance information for this variant is not currently available in this individual.

Blueprint Genetics
Classification: Uncertain significance. Last evaluated: 2024-05-23. Review status: criteria provided, single submitter. Criteria: ACMG Guidelines, 2015. Collection method: clinical testing. Allele origin: germline.

Athena Diagnostics
Classification: Uncertain significance. Last evaluated: 2022-06-08. Review status: criteria provided, single submitter. Criteria: Athena Diagnostics Criteria. Collection method: clinical testing. Allele origin: unknown.

Revvity Omics, Revvity
Classification: Uncertain significance for Polycystic kidney disease, adult type. Last evaluated: 2019-07-01. Review status: criteria provided, single submitter. Criteria: ACMG Guidelines, 2015. Collection method: clinical testing. Allele origin: germline.

Molecular Genetics of Inherited Kidney Disorders Laboratory, Garvan Institute of Medical Research
Classification: Uncertain significance. Last evaluated: 2019-01-01. Review status: criteria provided, single submitter. Criteria: ACMG Guidelines, 2015. Collection method: clinical testing. Allele origin: germline. Affected: yes.

Fulgent Genetics
Classification: Uncertain significance for Polycystic kidney disease, adult type. Last evaluated: 2018-10-31. Review status: criteria provided, single submitter. Criteria: ACMG Guidelines, 2015. Collection method: clinical testing. Allele origin: unknown.

Literature cited by the submitters: PubMed 11115377 (cited by 4 submitters); PubMed 33964006 (cited by 3 submitters); PubMed 33437033 (cited by 3 submitters); PubMed 35778421 (cited by Women's Health and Genetics/Laboratory Corporation of America, LabCorp); PubMed 25333066 (cited by 3 submitters); PubMed 36307859 (cited by Women's Health and Genetics/Laboratory Corporation of America, LabCorp); PubMed 36134775 (cited by Women's Health and Genetics/Laboratory Corporation of America, LabCorp and Victorian Clinical Genetics Services, Murdoch Childrens Research Institute); PubMed 26823553 (cited by Women's Health and Genetics/Laboratory Corporation of America, LabCorp and Athena Diagnostics); PubMed 39731278 (cited by Women's Health and Genetics/Laboratory Corporation of America, LabCorp); PubMed 34486251 (cited by Women's Health and Genetics/Laboratory Corporation of America, LabCorp and Athena Diagnostics).